The following is an entry in ClinVar:

NM_003002.4(SDHD):c.170-1G>C

Gene: SDHD (succinate dehydrogenase complex subunit D; plus strand). Cytogenetic location: 11q23.1.
Variant type: single nucleotide variant.
Coding change: c.170-1G>C on transcript NM_003002.4 (MANE Select); the canonical splice acceptor site of the intron before coding-DNA position 170, G replaced by C.
Molecular consequence: splice acceptor variant. On other transcripts: intron variant (1).
Genome position (GRCh38, 1-based): chr11:112,088,866, G>C. VCF-style: chr11-112088866-G-C. GRCh37 (hg19) VCF-style: chr11-111959590-G-C.
Other names: c.170-1G>C (NM_001276506.2); c.169+893G>C (NM_001276503.2); c.53-1G>C (NM_001276504.2).
Identifiers: ClinVar variation 4682137 (VCV004682137.1).

ClinVar aggregate classification (germline): Pathogenic (1 of 4 stars; one submission).

Conditions:
Inherited phaeochromocytoma and paraganglioma excluding NF1.

Submission:

Cambridge Genomics Laboratory, East Genomic Laboratory Hub, NHS Genomic Medicine Service
Classification: Pathogenic for Inherited phaeochromocytoma and paraganglioma excluding NF1. Last evaluated: 2025-01-22. Review status: criteria provided, single submitter. Criteria: ACGS Best Practice Guidelines for Variant Classification in Rare Disease 2020. Collection method: clinical testing. Allele origin: germline. Affected: yes.
Comment: PVS1,PM2